The following is an entry in ClinVar:

ClinVar aggregate classification (germline): Uncertain significance. Review status: criteria provided, multiple submitters, no conflicts (2 of 4 stars). 3 submissions from 3 submitters: Uncertain significance (3). Last evaluated 2022-06-27.

Conditions:
Spastic paraplegia. Identifiers: MedGen C0037772, HP:0001258.

Allele frequency attached by ClinVar (database versions not stated): TOPMed 0.00002; gnomAD 0.00003 and 0.00004; ESP Exome Variant Server 0.00008.
gnomAD v4.1: 52 of 1,613,392 alleles (0.0032%); highest among the groups gnomAD compares: Middle Eastern, 0.016%; no homozygotes.

Submissions (3):

Blueprint Genetics
Classification: Uncertain significance. Last evaluated: 2022-06-27. Review status: criteria provided, single submitter. Criteria: ACMG Guidelines, 2015. Collection method: clinical testing. Allele origin: germline.

Labcorp Genetics (formerly Invitae), Labcorp
Classification: Uncertain significance for Spastic paraplegia. Last evaluated: 2021-08-24. Review status: criteria provided, single submitter. Criteria: Invitae Variant Classification Sherloc (09022015). Collection method: clinical testing. Allele origin: germline.
Comment: This sequence change replaces leucine with valine at codon 682 of the AP4E1 protein (p.Leu682Val). The leucine residue is moderately conserved and there is a small physicochemical difference between leucine and valine. This variant is present in population databases (rs375439683, ExAC 0.01%). This variant has not been reported in the literature in individuals affected with AP4E1-related conditions. Algorithms developed to predict the effect of missense changes on protein structure and function (SIFT, PolyPhen-2, Align-GVGD) all suggest that this variant is likely to be tolerated. In summary, the available evidence is currently insufficient to determine the role of this variant in disease. Therefore, it has been classified as a Variant of Uncertain Significance.

GeneDx
Classification: Uncertain significance. Last evaluated: 2020-10-27. Review status: criteria provided, single submitter. Criteria: GeneDx Variant Classification Process June 2021. Collection method: clinical testing. Allele origin: germline. Affected: yes.
Comment: In silico analysis supports that this missense variant does not alter protein structure/function; Has not been previously published as pathogenic or benign to our knowledge

NM_007347.5(AP4E1):c.2044C>G (p.Leu682Val)

Gene: AP4E1 (adaptor related protein complex 4 subunit epsilon 1; plus strand). Cytogenetic location: 15q21.2.
Variant type: single nucleotide variant.
Coding change: c.2044C>G on transcript NM_007347.5 (MANE Select); coding-DNA position 2044, C replaced by G.
Protein change: p.Leu682Val; replaces leucine 682 with valine.
Molecular consequence: missense variant.
Genome position (GRCh38, 1-based): chr15:50,984,099, C>G. VCF-style: chr15-50984099-C-G. GRCh37 (hg19) VCF-style: chr15-51276296-C-G.
Other names: c.1819C>G, p.Leu607Val (NM_001252127.2); short protein forms L607V, L682V.
Identifiers: ClinVar variation 1062996 (VCV001062996.8), dbSNP rs375439683, ClinGen allele CA7559238.
Genomic context (GRCh38, chr15:50,984,099, plus strand): 5'-TATGGACTCTCCTTTTCTTCATCTGGCTTCACTGGACGACAGTCTCCTGCTGGCATTTCT[C>G]TTGGTTCAGATGTATCTGGGAATAGTGCTGAGACAGGACTGAAAGAGTAAGTTCATTTCT-3'
Protein context (NP_031373.2, residues 672-692): TGRQSPAGIS[Leu682Val]GSDVSGNSAE